The following is an entry in ClinVar:

ClinVar aggregate classification (germline): Uncertain significance (1 of 4 stars; one submission).

gnomAD v4.1: 1 of 1,611,466 alleles (0.000062%); highest among the groups gnomAD compares: Non-Finnish European, 0.000085%; no homozygotes.

Submission:

Labcorp Genetics (formerly Invitae), Labcorp
Classification: Uncertain significance. Last evaluated: 2025-02-15. Review status: criteria provided, single submitter. Criteria: Invitae Variant Classification Sherloc (09022015). Collection method: clinical testing. Allele origin: germline.
Comment: This sequence change falls in intron 17 of the TUBGCP6 gene. It does not directly change the encoded amino acid sequence of the TUBGCP6 protein. This variant is not present in population databases (gnomAD no frequency). This variant has not been reported in the literature in individuals affected with TUBGCP6-related conditions. Algorithms developed to predict the effect of sequence changes on RNA splicing suggest that this variant may disrupt the consensus splice site. In summary, the available evidence is currently insufficient to determine the role of this variant in disease. Therefore, it has been classified as a Variant of Uncertain Significance.

NM_020461.4(TUBGCP6):c.4168-9T>G

Gene: TUBGCP6 (tubulin gamma complex component 6; minus strand). Cytogenetic location: 22q13.33.
Variant type: single nucleotide variant.
Coding change: c.4168-9T>G on transcript NM_020461.4 (MANE Select); 9 bases into the intron before coding-DNA position 4168, T replaced by G.
Molecular consequence: intron variant.
Genome position (GRCh38, 1-based): chr22:50,219,800, A>C on the plus strand (T>G on the coding strand, the complement: TUBGCP6 is on the minus strand). VCF-style: chr22-50219800-A-C. GRCh37 (hg19) VCF-style: chr22-50658229-A-C.
Identifiers: ClinVar variation 4698798 (VCV004698798.1).